The following is an entry in ClinVar:

NM_005045.4(RELN):c.4528A>G (p.Ile1510Val)

Gene: RELN (reelin; minus strand). Cytogenetic location: 7q22.1.
Variant type: single nucleotide variant.
Coding change: c.4528A>G on transcript NM_005045.4 (MANE Select); coding-DNA position 4528, A replaced by G.
Protein change: p.Ile1510Val; replaces isoleucine 1510 with valine.
Molecular consequence: missense variant.
Genome position (GRCh38, 1-based): chr7:103,572,244, T>C on the plus strand (A>G on the coding strand, the complement: RELN is on the minus strand). VCF-style: chr7-103572244-T-C. GRCh37 (hg19) VCF-style: chr7-103212691-T-C.
Other names: c.4528A>G, p.Ile1510Val (NM_173054.3); short protein forms I1510V.
Identifiers: ClinVar variation 3748433 (VCV003748433.2).

ClinVar aggregate classification (germline): Uncertain significance (1 of 4 stars; one submission).

Conditions:
Norman-Roberts syndrome (LIS2). Also called: Lissencephaly 2 (Norman-Roberts type). Identifiers: Orphanet 89844, MedGen C0796089, MONDO:0009760, OMIM 257320.
Familial temporal lobe epilepsy 7. Identifiers: Orphanet 101046, MedGen C4225327, MONDO:0014639, OMIM 616436.

gnomAD v4.1: 24 of 1,576,898 alleles (0.0015%); highest among the groups gnomAD compares: Middle Eastern, 0.017%; no homozygotes.

Submission:

Labcorp Genetics (formerly Invitae), Labcorp
Classification: Uncertain significance for Familial temporal lobe epilepsy 7; Norman-Roberts syndrome. Last evaluated: 2024-03-27. Review status: criteria provided, single submitter. Criteria: Invitae Variant Classification Sherloc (09022015). Collection method: clinical testing. Allele origin: germline.
Comment: This sequence change replaces isoleucine, which is neutral and non-polar, with valine, which is neutral and non-polar, at codon 1510 of the RELN protein (p.Ile1510Val). This variant is present in population databases (rs775529252, gnomAD 0.004%). This variant has not been reported in the literature in individuals affected with RELN-related conditions. Advanced modeling of protein sequence and biophysical properties (such as structural, functional, and spatial information, amino acid conservation, physicochemical variation, residue mobility, and thermodynamic stability) performed at Invitae indicates that this missense variant is not expected to disrupt RELN protein function with a negative predictive value of 80%. In summary, the available evidence is currently insufficient to determine the role of this variant in disease. Therefore, it has been classified as a Variant of Uncertain Significance.